The following is an entry in ClinVar:

NM_004408.4(DNM1):c.199C>T (p.Arg67Cys)

Genes: DNM1 (dynamin 1; plus strand), LOC113839516 (Sharpr-MPRA regulatory region 8497; plus strand). Cytogenetic location: 9q34.11.
Variant type: single nucleotide variant.
Coding change: c.199C>T on transcript NM_004408.4 (MANE Select); coding-DNA position 199, C replaced by T.
Protein change: p.Arg67Cys; replaces arginine 67 with cysteine.
Molecular consequence: missense variant.
Genome position (GRCh38, 1-based): chr9:128,218,268, C>T. VCF-style: chr9-128218268-C-T. GRCh37 (hg19) VCF-style: chr9-130980547-C-T.
Other names: c.199C>T, p.Arg67Cys (NM_001005336.3, NM_001288737.2, NM_001288738.2 and 1 more transcripts); short protein forms R67C.
Identifiers: ClinVar variation 429456 (VCV000429456.16), dbSNP rs199575353, ClinGen allele CA5257749.

ClinVar aggregate classification (germline): Conflicting classifications of pathogenicity. Review status: criteria provided, conflicting classifications (1 of 4 stars). 2 submissions from 2 submitters: Uncertain significance (1); Likely benign (1). Last evaluated 2025-12-22.

Conditions:
Developmental and epileptic encephalopathy, 31A. Also called: Epileptic encephalopathy, early infantile, 31; Developmental and epileptic encephalopathy, 31. Identifiers: Orphanet 2382, MedGen C4225357, MONDO:0014598, OMIM 616346.

Allele frequency attached by ClinVar (database versions not stated): ExAC 0.00001; gnomAD 0.00001; gnomAD exomes 0.00001 and 0.00002; TOPMed 0.00002; ESP Exome Variant Server 0.00008.
gnomAD v4.1: 36 of 1,613,996 alleles (0.0022%); highest among the groups gnomAD compares: Non-Finnish European, 0.003%; no homozygotes.

Submissions (2):

Labcorp Genetics (formerly Invitae), Labcorp
Classification: Likely benign for Developmental and epileptic encephalopathy, 31A. Last evaluated: 2025-12-22. Review status: criteria provided, single submitter. Criteria: Invitae Variant Classification Sherloc (09022015). Collection method: clinical testing. Allele origin: germline.

GeneDx
Classification: Uncertain significance. Last evaluated: 2018-06-19. Review status: criteria provided, single submitter. Criteria: GeneDx Variant Classification (06012015). Collection method: clinical testing. Allele origin: germline. Affected: yes.
Comment: A variant of uncertain significance has been identified in the DNM1 gene. The R67C variant has not been published as a pathogenic variant, nor has it been reported as a benign variant to our knowledge. The R67C variant is not observed at a significant frequency in large population cohorts (Lek et al., 2016; 1000 Genomes Consortium et al., 2015; Exome Variant Server). The R67C variant is a non-conservative amino acid substitution, which is likely to impact secondary protein structure as these residues differ in polarity, charge, size and/or other properties. This substitution occurs at a position that is conserved across species, and in silico analysis predicts this variant is probably damaging to the protein structure/function. However, missense variants in nearby residues have not been reported in Human Gene Mutation Database in association with DNM1-related disorders (Stenson et al., 2014). Therefore, based on the currently available information, it is unclear whether this variant is a pathogenic variant or a rare benign variant.